The following is an entry in ClinVar:

ClinVar aggregate classification (germline): Benign (1 of 4 stars; one submission).

Submission:

GeneDx
Classification: Benign. Last evaluated: 2018-06-14. Review status: criteria provided, single submitter. Criteria: GeneDx Variant Classification (06012015). Collection method: clinical testing. Allele origin: germline. Affected: yes.
Comment: This variant is considered likely benign or benign based on one or more of the following criteria: it is a conservative change, it occurs at a poorly conserved position in the protein, it is predicted to be benign by multiple in silico algorithms, and/or has population frequency not consistent with disease.

NM_001148.6(ANK2):c.11860-210dup

Gene: ANK2 (ankyrin 2; plus strand). Cytogenetic location: 4q26.
Variant type: Duplication.
Coding change: c.11860-210dup on transcript NM_001148.6 (MANE Select); 210 bases into the intron before coding-DNA position 11860, one base duplicated (T; older notation c.11860-210dupT).
Molecular consequence: intron variant.
Genome position (GRCh38, 1-based): chr4:113,381,247, T duplicated; the last of 4 consecutive T bases (chr4:113,381,244-113,381,247); duplicating any one gives the same sequence. VCF-style (leftmost placement, unchanged base first): chr4-113381243-A-AT. GRCh37 (hg19) VCF-style: chr4-114302399-A-AT.
Other names: c.5773-210dup (NM_001386186.2); c.5590-210dup (NM_001386148.2); c.5392-210dup (NM_001354269.3); c.5470-210dup (NM_001386187.2); c.5614-210dup (NM_001386147.1); c.5632-210dup (NM_001386160.1, NM_001354244.2); c.5554-210dup (NM_001354254.2); c.5668-210dup (NM_001354239.2); and 57 more.
Identifiers: ClinVar variation 674569 (VCV000674569.1), dbSNP rs11451841, ClinGen allele CA103831126.